The following is an entry in ClinVar:

NM_020297.4(ABCC9):c.2199-6T>C

Gene: ABCC9 (ATP binding cassette subfamily C member 9; minus strand). Cytogenetic location: 12p12.1.
Variant type: single nucleotide variant.
Coding change: c.2199-6T>C on transcript NM_020297.4 (MANE Select); 6 bases into the intron before coding-DNA position 2199, T replaced by C.
Molecular consequence: intron variant.
Genome position (GRCh38, 1-based): chr12:21,864,483, A>G on the plus strand (T>C on the coding strand, the complement: ABCC9 is on the minus strand). VCF-style: chr12-21864483-A-G. GRCh37 (hg19) VCF-style: chr12-22017417-A-G.
Other names: c.1335-6T>C (NM_001377274.1); c.2199-6T>C (NM_005691.4, NM_001377273.1).
Identifiers: ClinVar variation 180001 (VCV000180001.17), dbSNP rs535477725, ClinGen allele CA185605.

ClinVar aggregate classification (germline): Conflicting classifications of pathogenicity. Review status: criteria provided, conflicting classifications (1 of 4 stars). 7 submissions from 6 submitters: Uncertain significance (2); Likely benign (5). Last evaluated 2025-11-10.

Conditions:
Hypertrichotic osteochondrodysplasia Cantu type. Also called: Cantu Syndrome; Cantú Syndrome. Identifiers: Orphanet 1517, MedGen C0795905, MONDO:0009406, OMIM 239850.
Dilated cardiomyopathy 1O (CMD1O). Also called: CARDIOMYOPATHY, DILATED, WITH VENTRICULAR TACHYCARDIA. Identifiers: Orphanet 154, MedGen C1837839, MONDO:0012062, OMIM 608569.

Allele frequency attached by ClinVar (database versions not stated): gnomAD 0.00001 and 0.00005; gnomAD exomes 0.00003 and 0.00004; TOPMed 0.00003; ExAC 0.00005.
gnomAD v4.1: 54 of 1,580,820 alleles (0.0034%); highest among the groups gnomAD compares: Middle Eastern, 0.22%; no homozygotes.

Submissions (7):

Labcorp Genetics (formerly Invitae), Labcorp
Classification: Likely benign for Dilated cardiomyopathy 1O. Last evaluated: 2025-11-10. Review status: criteria provided, single submitter. Criteria: Invitae Variant Classification Sherloc (09022015). Collection method: clinical testing. Allele origin: germline.

Blueprint Genetics
Classification: Likely benign. Last evaluated: 2024-07-29. Review status: criteria provided, single submitter. Criteria: ACMG Guidelines, 2015. Collection method: clinical testing. Allele origin: germline.

Illumina Laboratory Services, Illumina
Classification: Uncertain significance for Hypertrichotic osteochondrodysplasia Cantu type. Last evaluated: 2018-01-12. Review status: criteria provided, single submitter. Criteria: ICSL Variant Classification Criteria 13 December 2019. Collection method: clinical testing. Allele origin: germline.

Illumina Laboratory Services, Illumina
Classification: Uncertain significance for Dilated cardiomyopathy 1O. Last evaluated: 2018-01-12. Review status: criteria provided, single submitter. Criteria: ICSL Variant Classification Criteria 13 December 2019. Collection method: clinical testing. Allele origin: germline.

GeneDx
Classification: Likely benign. Last evaluated: 2015-12-14. Review status: criteria provided, single submitter. Criteria: GeneDx Variant Classification (06012015). Collection method: clinical testing. Allele origin: germline. Affected: yes.
Comment: This variant is considered likely benign or benign based on one or more of the following criteria: it is a conservative change, it occurs at a poorly conserved position in the protein, it is predicted to be benign by multiple in silico algorithms, and/or has population frequency not consistent with disease.

Laboratory for Molecular Medicine, Mass General Brigham Personalized Medicine
Classification: Likely benign. Last evaluated: 2014-09-16. Review status: criteria provided, single submitter. Criteria: LMM Criteria. Collection method: clinical testing. Allele origin: germline. Observed: 1 variant allele.
Comment: 2199-6T>C in intron 16 of ABCC9: This variant is not expected to have clinical s ignificance because a T>C change at this position does not diverge from the spli ce consensus sequence and is therefore unlikely to impact splicing.

PreventionGenetics, part of Exact Sciences
Classification: Likely benign. Review status: criteria provided, single submitter. Criteria: ACMG Guidelines, 2015. Collection method: clinical testing. Allele origin: germline.